The following is an entry in ClinVar:

ClinVar aggregate classification (germline): Uncertain significance. Review status: criteria provided, multiple submitters, no conflicts (2 of 4 stars). 3 submissions from 3 submitters: Uncertain significance (3). Last evaluated 2025-10-31.

Conditions:
Ehlers-Danlos syndrome, spondylodysplastic type, 2 (EDSSPD2). Also called: Ehlers-Danlos syndrome, progeroid type, 2. Identifiers: Orphanet 536467, Orphanet 75496, MedGen C3809210, MONDO:0014139, OMIM 615349.
Spondyloepimetaphyseal dysplasia with joint laxity (SEMDJL). Identifiers: MedGen C0432243, MONDO:0019675.
Inborn genetic diseases. Identifiers: MedGen C0950123, MeSH D030342.

Allele frequency attached by ClinVar (database versions not stated): TOPMed 0.00002; gnomAD 0.00003; gnomAD exomes 0.00003; ExAC 0.00028; 1000 Genomes Project 30x 0.00031; 1000 Genomes Project 0.00040.
gnomAD v4.1: 47 of 1,300,054 alleles (0.0036%); highest among the groups gnomAD compares: South Asian, 0.097%; no homozygotes.

Submissions (3):

Women's Health and Genetics/Laboratory Corporation of America, LabCorp
Classification: Uncertain significance. Last evaluated: 2025-10-31. Review status: criteria provided, single submitter. Criteria: LabCorp Variant Classification Summary - May 2015. Collection method: clinical testing. Allele origin: germline.
Comment: Variant summary: B3GALT6 c.370G>A (p.Ala124Thr) results in a non-conservative amino acid change in the encoded protein sequence. Algorithms developed to predict the effect of missense changes on protein structure and function are either unavailable or do not agree on the potential impact of this missense change. The variant allele was found at a frequency of 0.00014 in 97362 control chromosomes. This frequency is not significantly higher than estimated for disease-causing variants in B3GALT6, allowing no conclusion about variant significance. To our knowledge, no occurrence of c.370G>A in individuals affected with B3GALT6-related conditions and no experimental evidence demonstrating its impact on protein function have been reported. ClinVar contains an entry for this variant (Variation ID: 2058341). Based on the evidence outlined above, the variant was classified as uncertain significance.

Ambry Genetics
Classification: Uncertain significance for Inborn genetic diseases. Last evaluated: 2023-06-01. Review status: criteria provided, single submitter. Criteria: Ambry Variant Classification Scheme 2023. Collection method: clinical testing. Allele origin: germline.

Labcorp Genetics (formerly Invitae), Labcorp
Classification: Uncertain significance for Ehlers-Danlos syndrome, spondylodysplastic type, 2; Spondyloepimetaphyseal dysplasia with joint laxity. Last evaluated: 2022-04-09. Review status: criteria provided, single submitter. Criteria: Invitae Variant Classification Sherloc (09022015). Collection method: clinical testing. Allele origin: germline.
Comment: This sequence change replaces alanine, which is neutral and non-polar, with threonine, which is neutral and polar, at codon 124 of the B3GALT6 protein (p.Ala124Thr). This variant is present in population databases (rs540078143, gnomAD 0.1%). This variant has not been reported in the literature in individuals affected with B3GALT6-related conditions. Algorithms developed to predict the effect of missense changes on protein structure and function output the following: SIFT: "Tolerated"; PolyPhen-2: "Benign"; Align-GVGD: "Class C0". The threonine amino acid residue is found in multiple mammalian species, which suggests that this missense change does not adversely affect protein function. In summary, the available evidence is currently insufficient to determine the role of this variant in disease. Therefore, it has been classified as a Variant of Uncertain Significance.

NM_080605.4(B3GALT6):c.370G>A (p.Ala124Thr)

Gene: B3GALT6 (beta-1,3-galactosyltransferase 6; plus strand). Cytogenetic location: 1p36.33.
Variant type: single nucleotide variant.
Coding change: c.370G>A on transcript NM_080605.4 (MANE Select); coding-DNA position 370, G replaced by A.
Protein change: p.Ala124Thr; replaces alanine 124 with threonine.
Molecular consequence: missense variant.
Genome position (GRCh38, 1-based): chr1:1,232,648, G>A. VCF-style: chr1-1232648-G-A. GRCh37 (hg19) VCF-style: chr1-1168028-G-A.
Other names: c.370G>A (NM_080605.3); short protein forms A124T.
Identifiers: ClinVar variation 2058341 (VCV002058341.4), dbSNP rs540078143, ClinGen allele CA513327.